The following is an entry in ClinVar:

NM_007194.4(CHEK2):c.461A>C (p.Asn154Thr)

Gene: CHEK2 (checkpoint kinase 2; minus strand). Cytogenetic location: 22q12.1.
Variant type: single nucleotide variant.
Coding change: c.461A>C on transcript NM_007194.4 (MANE Select); coding-DNA position 461, A replaced by C.
Protein change: p.Asn154Thr; replaces asparagine 154 with threonine.
Molecular consequence: missense variant. On other transcripts: 5 prime UTR variant (2), intron variant (1).
Genome position (GRCh38, 1-based): chr22:28,725,108, T>G on the plus strand (A>C on the coding strand, the complement: CHEK2 is on the minus strand). VCF-style: chr22-28725108-T-G. GRCh37 (hg19) VCF-style: chr22-29121096-T-G.
Other names: c.590A>C, p.Asn197Thr (NM_001005735.3, NM_001438294.1); c.-317A>C (NM_001257387.3); c.-203A>C (NM_001437942.1); c.554A>C, p.Asn185Thr (NM_001438293.1, NM_001438295.1); c.461A>C, p.Asn154Thr (NM_145862.3); c.444+135A>C (NM_001349956.3); short protein forms N154T, N197T, N185T.
Identifiers: ClinVar variation 1741934 (VCV001741934.3), dbSNP rs2146061665, ClinGen allele CA411107698.

ClinVar aggregate classification (germline): Uncertain significance (1 of 4 stars; one submission).

Conditions:
Hereditary cancer-predisposing syndrome. Also called: Hereditary Cancer Syndrome; Hereditary neoplastic syndrome; Neoplastic Syndromes, Hereditary; Tumor predisposition. Identifiers: Orphanet 140162, MedGen C0027672, MeSH D009386, MONDO:0015356.

Submission:

Ambry Genetics
Classification: Uncertain significance for Hereditary cancer-predisposing syndrome. Last evaluated: 2024-12-16. Review status: criteria provided, single submitter. Criteria: Ambry Variant Classification Scheme 2023. Collection method: clinical testing. Allele origin: germline.
Comment: The p.N154T variant (also known as c.461A>C), located in coding exon 3 of the CHEK2 gene, results from an A to C substitution at nucleotide position 461. The asparagine at codon 154 is replaced by threonine, an amino acid with similar properties. This amino acid position is well conserved in available vertebrate species. In addition, the in silico prediction for this alteration is inconclusive. Based on the available evidence, the clinical significance of this variant remains unclear.